The following is an entry in ClinVar:

ClinVar aggregate classification (germline): Uncertain significance (1 of 4 stars; one submission).

Allele frequency attached by ClinVar (database versions not stated): gnomAD 0.00001.
gnomAD v4.1: 1 of 1,575,580 alleles (0.000063%); highest among the groups gnomAD compares: Non-Finnish European, 0.000087%; no homozygotes.

Submission:

Labcorp Genetics (formerly Invitae), Labcorp
Classification: Uncertain significance. Last evaluated: 2025-03-17. Review status: criteria provided, single submitter. Criteria: Invitae Variant Classification Sherloc (09022015). Collection method: clinical testing. Allele origin: germline.
Comment: This sequence change falls in intron 4 of the CERKL gene. It does not directly change the encoded amino acid sequence of the CERKL protein. It affects a nucleotide within the consensus splice site. This variant is present in population databases (no rsID available, gnomAD 0.007%). This variant has not been reported in the literature in individuals affected with CERKL-related conditions. ClinVar contains an entry for this variant (Variation ID: 1958193). Variants that disrupt the consensus splice site are a relatively common cause of aberrant splicing (PMID: 17576681, 9536098). Algorithms developed to predict the effect of sequence changes on RNA splicing suggest that this variant may disrupt the consensus splice site. In summary, the available evidence is currently insufficient to determine the role of this variant in disease. Therefore, it has been classified as a Variant of Uncertain Significance.

Literature cited by the submitters: PubMed 17576681; PubMed 9536098.

NM_201548.5(CERKL):c.677+5G>T

Gene: CERKL (CERK like autophagy regulator; minus strand). Cytogenetic location: 2q31.3.
Variant type: single nucleotide variant.
Coding change: c.677+5G>T on transcript NM_201548.5 (MANE Select); 5 bases into the intron after coding-DNA position 677, G replaced by T.
Molecular consequence: intron variant.
Genome position (GRCh38, 1-based): chr2:181,566,053, C>A on the plus strand (G>T on the coding strand, the complement: CERKL is on the minus strand). VCF-style: chr2-181566053-C-A. GRCh37 (hg19) VCF-style: chr2-182430780-C-A.
Other names: c.482-16345G>T (NM_001030312.3); c.545+5G>T (NM_001160277.2); c.613+7700G>T (NM_001030313.3); c.677+5G>T (NM_001030311.3).
Identifiers: ClinVar variation 1958193 (VCV001958193.5), dbSNP rs1197602594, ClinGen allele CA538113697.